The following is an entry in ClinVar:

NM_001374736.1(DST):c.9649C>T (p.His3217Tyr)

Gene: DST (dystonin; minus strand). Cytogenetic location: 6p12.1.
Variant type: single nucleotide variant.
Coding change: c.9649C>T on transcript NM_001374736.1 (MANE Select); coding-DNA position 9649, C replaced by T.
Protein change: p.His3217Tyr; replaces histidine 3217 with tyrosine.
Molecular consequence: missense variant. On other transcripts: intron variant (6).
Genome position (GRCh38, 1-based): chr6:56,604,979, G>A on the plus strand (C>T on the coding strand, the complement: DST is on the minus strand). VCF-style: chr6-56604979-G-A. GRCh37 (hg19) VCF-style: chr6-56469777-G-A.
Other names: c.9649C>T, p.His3217Tyr (NM_001374722.1); c.9016C>T, p.His3006Tyr (NM_001374729.1); c.9676C>T, p.His3226Tyr (NM_001374734.1); c.5185-4758C>T (NM_001144769.5); c.4771-4758C>T (NM_001144770.2); c.4651-4758C>T (NM_001374730.1, NM_001386100.1, NM_183380.4); c.3673-4758C>T (NM_015548.5); short protein forms H3006Y, H3217Y, H3226Y.
Identifiers: ClinVar variation 3025540 (VCV003025540.22), dbSNP rs775191514, ClinGen allele CA3869025.
Genomic context (GRCh38, chr6:56,604,979, plus strand): 5'-GTGAGTCTTTTTGGGTACTAGTGGACTTCTCTTTTGTATTATTAACTCCTAATTGTAAAT[G>A]TTCTTTCATGGGAGGGGCAGTTATTAAAACATGGCTTGGGACATCTTCATTTGGTTTGGC-3'
Protein context (NP_001361665.1, residues 3207-3227): VLITAPPMKE[His3217Tyr]LQLGVNNTKE

ClinVar aggregate classification (germline): Uncertain significance (1 of 4 stars; one submission).

Allele frequency attached by ClinVar (database versions not stated): gnomAD 0.00001; ExAC 0.00002; TOPMed 0.00002; gnomAD exomes 0.00005.
gnomAD v4.1: 72 of 1,612,708 alleles (0.0045%); highest among the groups gnomAD compares: Non-Finnish European, 0.0055%; no homozygotes.

Submission:

CeGaT Center for Human Genetics Tuebingen
Classification: Uncertain significance. Last evaluated: 2024-02-01. Review status: criteria provided, single submitter. Criteria: CeGaT Center For Human Genetics Tuebingen Variant Classification Criteria Version 2. Collection method: clinical testing. Allele origin: germline. Affected: yes. Observed: 1 variant allele.
Comment: DST: PM2, BP4